The following is an entry in ClinVar:

NM_007294.4(BRCA1):c.3551G>A (p.Gly1184Glu)

Genes: BRCA1 (BRCA1 DNA repair associated; minus strand), LOC126862571 (BRD4-independent group 4 enhancer GRCh37_chr17:41243136-41244335; plus strand). Cytogenetic location: 17q21.31.
Variant type: single nucleotide variant.
Coding change: c.3551G>A on transcript NM_007294.4 (MANE Select); coding-DNA position 3551, G replaced by A.
Protein change: p.Gly1184Glu; replaces glycine 1184 with glutamic acid.
Molecular consequence: missense variant. On other transcripts: intron variant (135).
Genome position (GRCh38, 1-based): chr17:43,091,980, C>T on the plus strand (G>A on the coding strand, the complement: BRCA1 is on the minus strand). VCF-style: chr17-43091980-C-T. GRCh37 (hg19) VCF-style: chr17-41243997-C-T.
Other names: c.3428G>A, p.Gly1143Glu (NM_001407648.1, NM_001407664.1, NM_001407665.1 and 19 more transcripts); c.3425G>A, p.Gly1142Glu (NM_001407649.1, NM_001407670.1, NM_001407671.1 and 11 more transcripts); c.3551G>A, p.Gly1184Glu (NM_001407652.1, NM_001407684.1, NM_001407854.1 and 30 more transcripts); c.3473G>A, p.Gly1158Glu (NM_001407653.1, NM_001407654.1, NM_001407655.1 and 4 more transcripts); c.3470G>A, p.Gly1157Glu (NM_001407659.1, NM_001407660.1, NM_001407661.1 and 1 more transcripts); c.3410G>A, p.Gly1137Glu (NM_001407692.1, NM_001407694.1, NM_001407695.1 and 29 more transcripts); c.3407G>A, p.Gly1136Glu (NM_001407740.1, NM_001407741.1, NM_001407742.1 and 20 more transcripts); c.3338G>A, p.Gly1113Glu (NM_001407853.1, NM_001407894.1, NM_001407895.1 and 9 more transcripts); and 41 more; short protein forms G1184E, G1137E, G1057E, G1072E, G1073E, G1095E, G1096E, G1116E.
Identifiers: ClinVar variation 630188 (VCV000630188.11), dbSNP rs1567791181, ClinGen allele CA10594863.

ClinVar aggregate classification (germline): Conflicting classifications of pathogenicity. Review status: criteria provided, conflicting classifications (1 of 4 stars). 3 submissions from 3 submitters: Uncertain significance (1); Likely benign (2). Last evaluated 2023-03-23.

Conditions:
Hereditary cancer-predisposing syndrome. Also called: Neoplastic Syndromes, Hereditary; Tumor predisposition; Hereditary neoplastic syndrome; Hereditary Cancer Syndrome. Identifiers: Orphanet 140162, MedGen C0027672, MeSH D009386, MONDO:0015356.
Hereditary breast ovarian cancer syndrome. Also called: Hereditary breast and ovarian cancer syndrome; Hereditary breast and ovarian cancer; Hereditary breast and ovarian cancer syndrome (HBOC); Breast and ovarian cancer; Hereditary breast and/or ovarian cancer syndrome; BRCA1- and BRCA2-Associated Hereditary Breast and Ovarian Cancer. Identifiers: Orphanet 145, MedGen C0677776, MeSH D061325, MONDO:0003582. Disease mechanism: loss of function.

Submissions (3):

University of Washington Department of Laboratory Medicine, University of Washington
Classification: Likely benign for Hereditary cancer-predisposing syndrome. Last evaluated: 2023-03-23. Review status: criteria provided, single submitter. Criteria: Dines et al. (Genet Med. 2020). Collection method: curation. Allele origin: germline.
Comment: Missense variant in a coldspot region where missense variants are very unlikely to be pathogenic (PMID:31911673).

BRCA1 coldspot (exon 11 using historical exon numbering). Reclassification based on statistical prior probability

Labcorp Genetics (formerly Invitae), Labcorp
Classification: Uncertain significance for Hereditary breast ovarian cancer syndrome. Last evaluated: 2021-10-13. Review status: criteria provided, single submitter. Criteria: Invitae Variant Classification Sherloc (09022015). Collection method: clinical testing. Allele origin: germline.
Comment: Advanced modeling of protein sequence and biophysical properties (such as structural, functional, and spatial information, amino acid conservation, physicochemical variation, residue mobility, and thermodynamic stability) performed at Invitae indicates that this missense variant is not expected to disrupt BRCA1 protein function. This sequence change replaces glycine with glutamic acid at codon 1184 of the BRCA1 protein (p.Gly1184Glu). The glycine residue is moderately conserved and there is a moderate physicochemical difference between glycine and glutamic acid. This variant is not present in population databases (ExAC no frequency). This variant has not been reported in the literature in individuals affected with BRCA1-related conditions. ClinVar contains an entry for this variant (Variation ID: 630188). In summary, the available evidence is currently insufficient to determine the role of this variant in disease. Therefore, it has been classified as a Variant of Uncertain Significance.

Color Diagnostics, LLC DBA Color Health
Classification: Likely benign for Hereditary cancer-predisposing syndrome. Last evaluated: 2016-06-13. Review status: criteria provided, single submitter. Criteria: ACMG Guidelines, 2015. Collection method: clinical testing. Allele origin: germline.